The following is an entry in ClinVar:

ClinVar aggregate classification (germline): Uncertain significance. Review status: criteria provided, multiple submitters, no conflicts (2 of 4 stars). 5 submissions from 5 submitters: Uncertain significance (5). Last evaluated 2025-08-14.

Conditions:
Developmental and epileptic encephalopathy, 23 (DEE23). Also called: Epileptic encephalopathy, early infantile, 23. Identifiers: Orphanet 411986, MedGen C4014492, MONDO:0014371, OMIM 615859.
Inborn genetic diseases. Identifiers: MedGen C0950123, MeSH D030342.

Allele frequency attached by ClinVar (database versions not stated): ESP Exome Variant Server 0.00023; gnomAD exomes 0.00026 and 0.00008; 1000 Genomes Project 30x 0.00031; ExAC 0.00006; TOPMed 0.00016; gnomAD 0.00019; 1000 Genomes Project 0.00020.
gnomAD v4.1: 399 of 1,613,754 alleles (0.025%); highest among the groups gnomAD compares: Non-Finnish European, 0.032%; no homozygotes.

Submissions (5):

GeneDx
Classification: Uncertain significance. Last evaluated: 2025-08-14. Review status: criteria provided, single submitter. Criteria: GeneDx Variant Classification Process June 2021. Collection method: clinical testing. Allele origin: germline. Affected: yes.
Comment: In silico analysis supports that this missense variant has a deleterious effect on protein structure/function; Has not been previously published as pathogenic or benign to our knowledge

Women's Health and Genetics/Laboratory Corporation of America, LabCorp
Classification: Uncertain significance. Last evaluated: 2023-12-12. Review status: criteria provided, single submitter. Criteria: LabCorp Variant Classification Summary - May 2015. Collection method: clinical testing. Allele origin: germline.
Comment: Variant summary: DOCK7 c.1585C>T (p.Leu529Phe) results in a non-conservative amino acid change in the encoded protein sequence. Three of five in-silico tools predict a damaging effect of the variant on protein function. The variant allele was found at a frequency of 8.4e-05 in 251400 control chromosomes (gnomAD). To our knowledge, no occurrence of c.1585C>T in individuals affected with Developmental And Epileptic Encephalopathy, 23 and no experimental evidence demonstrating its impact on protein function have been reported. Two submitters have cited clinical-significance assessments for this variant to ClinVar after 2014. All submitters classified the variant as uncertain significance. Based on the evidence outlined above, the variant was classified as uncertain significance.

Genome-Nilou Lab
Classification: Uncertain significance for Developmental and epileptic encephalopathy, 23. Last evaluated: 2023-04-11. Review status: criteria provided, single submitter. Criteria: ACMG Guidelines, 2015. Collection method: clinical testing. Allele origin: germline. Affected: no.

Labcorp Genetics (formerly Invitae), Labcorp
Classification: Uncertain significance for Developmental and epileptic encephalopathy, 23. Last evaluated: 2022-07-29. Review status: criteria provided, single submitter. Criteria: Invitae Variant Classification Sherloc (09022015). Collection method: clinical testing. Allele origin: germline.
Comment: This sequence change replaces leucine, which is neutral and non-polar, with phenylalanine, which is neutral and non-polar, at codon 529 of the DOCK7 protein (p.Leu529Phe). This variant is present in population databases (rs142744313, gnomAD 0.02%). This variant has not been reported in the literature in individuals affected with DOCK7-related conditions. ClinVar contains an entry for this variant (Variation ID: 951960). Algorithms developed to predict the effect of missense changes on protein structure and function are either unavailable or do not agree on the potential impact of this missense change (SIFT: "Deleterious"; PolyPhen-2: "Benign"; Align-GVGD: "Class C0"). In summary, the available evidence is currently insufficient to determine the role of this variant in disease. Therefore, it has been classified as a Variant of Uncertain Significance.

Ambry Genetics
Classification: Uncertain significance for Inborn genetic diseases. Last evaluated: 2021-01-26. Review status: criteria provided, single submitter. Criteria: Ambry Variant Classification Scheme 2023. Collection method: clinical testing. Allele origin: germline.
Comment: The c.1585C>T (p.L529F) alteration is located in exon 14 (coding exon 14) of the DOCK7 gene. This alteration results from a C to T substitution at nucleotide position 1585, causing the leucine (L) at amino acid position 529 to be replaced by a phenylalanine (F). The p.L529F alteration is predicted to be tolerated by in silico analysis. Based on insufficient or conflicting evidence, the clinical significance of this alteration remains unclear.

NM_001367561.1(DOCK7):c.1585C>T (p.Leu529Phe)

Gene: DOCK7 (dedicator of cytokinesis 7; minus strand). Cytogenetic location: 1p31.3.
Variant type: single nucleotide variant.
Coding change: c.1585C>T on transcript NM_001367561.1 (MANE Select); coding-DNA position 1585, C replaced by T.
Protein change: p.Leu529Phe; replaces leucine 529 with phenylalanine.
Molecular consequence: missense variant.
Genome position (GRCh38, 1-based): chr1:62,618,803, G>A on the plus strand (C>T on the coding strand, the complement: DOCK7 is on the minus strand). VCF-style: chr1-62618803-G-A. GRCh37 (hg19) VCF-style: chr1-63084474-G-A.
Other names: c.1585C>T (NM_033407.2); c.1585C>T, p.Leu529Phe (NM_001271999.2, NM_001272000.2, NM_001272001.2 and 3 more transcripts); short protein forms L529F.
Identifiers: ClinVar variation 951960 (VCV000951960.11), dbSNP rs142744313, ClinGen allele CA886909.